The following is an entry in ClinVar:

NM_007294.4(BRCA1):c.1892T>C (p.Leu631Pro)

Gene: BRCA1 (BRCA1 DNA repair associated; minus strand). Cytogenetic location: 17q21.31.
Variant type: single nucleotide variant.
Coding change: c.1892T>C on transcript NM_007294.4 (MANE Select); coding-DNA position 1892, T replaced by C.
Protein change: p.Leu631Pro; replaces leucine 631 with proline.
Molecular consequence: missense variant. On other transcripts: intron variant (137).
Genome position (GRCh38, 1-based): chr17:43,093,639, A>G on the plus strand (T>C on the coding strand, the complement: BRCA1 is on the minus strand). VCF-style: chr17-43093639-A-G. GRCh37 (hg19) VCF-style: chr17-41245656-A-G.
Other names: c.1892T>C, p.Leu631Pro (NM_001407624.1, NM_001407626.1, NM_001407625.1 and 30 more transcripts); c.784+1105T>C (NM_001407985.1, NM_001408397.1, NM_001408401.1 and 13 more transcripts); c.548-2607T>C (NM_001408494.1); c.670+2207T>C (NM_001408420.1, NM_001408423.1, NM_001408419.1 and 2 more transcripts); c.664+1105T>C (NM_001408444.1, NM_001408438.1, NM_001408430.1 and 12 more transcripts); c.787+1105T>C (NM_001408404.1, NM_001408472.1, NM_001407990.1 and 19 more transcripts); c.1889T>C, p.Leu630Pro (NM_001407628.1, NM_001407629.1, NM_001407630.1 and 22 more transcripts); c.1679T>C, p.Leu560Pro (NM_001407571.1, NM_001407853.1, NM_001407894.1 and 9 more transcripts); and 40 more; short protein forms L631P, L584P, L583P, L590P, L463P, L503P, L335P, L519P.
Identifiers: ClinVar variation 571655 (VCV000571655.12), dbSNP rs1386991114, ClinGen allele CA10598236.

ClinVar aggregate classification (germline): Conflicting classifications of pathogenicity. Review status: criteria provided, conflicting classifications (1 of 4 stars). 2 submissions from 2 submitters: Uncertain significance (1); Likely benign (1). Last evaluated 2024-06-02.

Conditions:
Hereditary cancer-predisposing syndrome. Also called: Hereditary neoplastic syndrome; Tumor predisposition; Neoplastic Syndromes, Hereditary; Hereditary Cancer Syndrome. Identifiers: Orphanet 140162, MedGen C0027672, MeSH D009386, MONDO:0015356.
Hereditary breast ovarian cancer syndrome. Also called: Hereditary breast and ovarian cancer syndrome; Breast and ovarian cancer; Hereditary breast and ovarian cancer; Hereditary breast and/or ovarian cancer syndrome; Hereditary breast and ovarian cancer syndrome (HBOC); BRCA1- and BRCA2-Associated Hereditary Breast and Ovarian Cancer. Identifiers: Orphanet 145, MedGen C0677776, MeSH D061325, MONDO:0003582. Disease mechanism: loss of function.

Allele frequency attached by ClinVar (database versions not stated): TOPMed below 0.00001.

Submissions (2):

Labcorp Genetics (formerly Invitae), Labcorp
Classification: Uncertain significance for Hereditary breast ovarian cancer syndrome. Last evaluated: 2024-06-02. Review status: criteria provided, single submitter. Criteria: Invitae Variant Classification Sherloc (09022015). Collection method: clinical testing. Allele origin: germline.
Comment: This sequence change replaces leucine, which is neutral and non-polar, with proline, which is neutral and non-polar, at codon 631 of the BRCA1 protein (p.Leu631Pro). This variant is not present in population databases (gnomAD no frequency). This variant has not been reported in the literature in individuals affected with BRCA1-related conditions. ClinVar contains an entry for this variant (Variation ID: 571655). Advanced modeling of protein sequence and biophysical properties (such as structural, functional, and spatial information, amino acid conservation, physicochemical variation, residue mobility, and thermodynamic stability) performed at Invitae indicates that this missense variant is not expected to disrupt BRCA1 protein function with a negative predictive value of 95%. In summary, the available evidence is currently insufficient to determine the role of this variant in disease. Therefore, it has been classified as a Variant of Uncertain Significance.

University of Washington Department of Laboratory Medicine, University of Washington
Classification: Likely benign for Hereditary cancer-predisposing syndrome. Last evaluated: 2023-03-23. Review status: criteria provided, single submitter. Criteria: Dines et al. (Genet Med. 2020). Collection method: curation. Allele origin: germline.
Comment: Missense variant in a coldspot region where missense variants are very unlikely to be pathogenic (PMID:31911673).

BRCA1 coldspot (exon 11 using historical exon numbering). Reclassification based on statistical prior probability